The following is an entry in ClinVar:

ClinVar aggregate classification (germline): Uncertain significance. Review status: criteria provided, multiple submitters, no conflicts (2 of 4 stars). 2 submissions from 2 submitters: Uncertain significance (2). Last evaluated 2024-07-29.

Conditions:
Cardiovascular phenotype. Identifiers: MedGen CN230736.

Allele frequency attached by ClinVar (database versions not stated): ExAC 0.00001.
gnomAD v4.1: 1 of 1,614,146 alleles (0.000062%); highest among the groups gnomAD compares: Non-Finnish European, 0.000085%; no homozygotes.

Submissions (2):

GeneDx
Classification: Uncertain significance. Last evaluated: 2024-07-29. Review status: criteria provided, single submitter. Criteria: GeneDx Variant Classification Process June 2021. Collection method: clinical testing. Allele origin: germline. Affected: yes.
Comment: Not observed at significant frequency in large population cohorts (gnomAD); In silico analysis supports that this missense variant has a deleterious effect on protein structure/function; Has not been previously published as pathogenic or benign to our knowledge

Ambry Genetics
Classification: Uncertain significance for Cardiovascular phenotype. Last evaluated: 2023-11-01. Review status: criteria provided, single submitter. Criteria: Ambry Variant Classification Scheme 2023. Collection method: clinical testing. Allele origin: germline.
Comment: The p.I170T variant (also known as c.509T>C), located in coding exon 4 of the SCN10A gene, results from a T to C substitution at nucleotide position 509. The isoleucine at codon 170 is replaced by threonine, an amino acid with similar properties. This amino acid position is conserved. In addition, this alteration is predicted to be deleterious by in silico analysis. Since supporting evidence is limited at this time, the clinical significance of this alteration remains unclear.

NM_006514.4(SCN10A):c.509T>C (p.Ile170Thr)

Gene: SCN10A (sodium voltage-gated channel alpha subunit 10; minus strand). Cytogenetic location: 3p22.2.
Variant type: single nucleotide variant.
Coding change: c.509T>C on transcript NM_006514.4 (MANE Select); coding-DNA position 509, T replaced by C.
Protein change: p.Ile170Thr; replaces isoleucine 170 with threonine.
Molecular consequence: missense variant.
Genome position (GRCh38, 1-based): chr3:38,771,369, A>G on the plus strand (T>C on the coding strand, the complement: SCN10A is on the minus strand). VCF-style: chr3-38771369-A-G. GRCh37 (hg19) VCF-style: chr3-38812860-A-G.
Other names: c.509T>C, p.Ile170Thr (NM_001293306.2, NM_001293307.2); short protein forms I170T.
Identifiers: ClinVar variation 2614522 (VCV002614522.3), dbSNP rs769305453, ClinGen allele CA2321177.